The following is an entry in ClinVar:

ClinVar aggregate classification (germline): Uncertain significance (1 of 4 stars; one submission).

Conditions:
3MC syndrome 3 (3MC3). Also called: MALPUECH FACIAL CLEFTING SYNDROME. Identifiers: Orphanet 293843, MedGen C0796032, MONDO:0009554, OMIM 248340.

gnomAD v4.1: 65 of 1,612,276 alleles (0.004%); highest among the groups gnomAD compares: East Asian, 0.016%; no homozygotes.

Submission:

Juno Genomics, Hangzhou Juno Genomics, Inc
Classification: Uncertain significance for 3MC syndrome 3. Review status: criteria provided, single submitter. Criteria: ACMG Guidelines, 2015. Collection method: clinical testing. Allele origin: germline.
Comment: Absent from controls (or at extremely low frequency if recessive) in Genome Aggregation Database.;Multiple lines of computational evidence support a deleterious effect on the gene or gene product.

NM_006438.5(COLEC10):c.374G>A (p.Arg125Gln)

Gene: COLEC10 (collectin subfamily member 10; plus strand). Cytogenetic location: 8q24.12.
Variant type: single nucleotide variant.
Coding change: c.374G>A on transcript NM_006438.5 (MANE Select); coding-DNA position 374, G replaced by A.
Protein change: p.Arg125Gln; replaces arginine 125 with glutamine.
Molecular consequence: missense variant.
Genome position (GRCh38, 1-based): chr8:119,103,827, G>A. VCF-style: chr8-119103827-G-A. GRCh37 (hg19) VCF-style: chr8-120116066-G-A.
Other names: c.167G>A, p.Arg56Gln (NM_001324095.2); short protein forms R125Q, R56Q.
Identifiers: ClinVar variation 5019355 (VCV005019355.2).
Genomic context (GRCh38, chr8:119,103,827, plus strand): 5'-CAACATGAATTCACAGTTTTTGTCATTTAAAAGGTACTGTCTGTGATTGTGGAAGATACC[G>A]GAAATTTGTTGGACAACTGGATATTAGTATTGCTCGGCTCAAGACATCTATGAAGTTTGT-3'
Protein context (NP_006429.2, residues 115-135): AGTVCDCGRY[Arg125Gln]KFVGQLDISI